The following is an entry in ClinVar:

NM_014423.4(AFF4):c.740A>G (p.Asn247Ser)

Gene: AFF4 (ALF transcription elongation factor 4; minus strand). Cytogenetic location: 5q31.1.
Variant type: single nucleotide variant.
Coding change: c.740A>G on transcript NM_014423.4 (MANE Select); coding-DNA position 740, A replaced by G.
Protein change: p.Asn247Ser; replaces asparagine 247 with serine.
Molecular consequence: missense variant.
Genome position (GRCh38, 1-based): chr5:132,934,325, T>C on the plus strand (A>G on the coding strand, the complement: AFF4 is on the minus strand). VCF-style: chr5-132934325-T-C. GRCh37 (hg19) VCF-style: chr5-132270017-T-C.
Other names: short protein forms N247S.
Identifiers: ClinVar variation 4977443 (VCV004977443.1).

ClinVar aggregate classification (germline): Uncertain significance (1 of 4 stars; one submission).

Conditions:
AFF4-related disorder. Also called: AFF4-related condition.

gnomAD v4.1: 21 of 1,614,132 alleles (0.0013%); highest among the groups gnomAD compares: African/African-American, 0.02%; no homozygotes.

Submission:

PreventionGenetics, part of Exact Sciences
Classification: Uncertain significance for AFF4-related condition. Last evaluated: 2026-07-22. Review status: criteria provided, single submitter. Criteria: ACMG Guidelines, 2015. Collection method: clinical testing. Allele origin: germline.
Comment: The AFF4 c.740A>G variant is predicted to result in the amino acid substitution p.Asn247Ser. To our knowledge, this variant has not been reported in the literature. This variant is reported in 0.020% of alleles in individuals of African descent in gnomAD. Although we suspect that this variant may be benign, at this time, the clinical significance of this variant is uncertain due to the absence of conclusive functional and genetic evidence.